The following is an entry in ClinVar:

NM_006267.5(RANBP2):c.2911A>C (p.Thr971Pro)

Gene: RANBP2 (RAN binding protein 2; plus strand). Cytogenetic location: 2q13.
Variant type: single nucleotide variant.
Coding change: c.2911A>C on transcript NM_006267.5 (MANE Select); coding-DNA position 2911, A replaced by C.
Protein change: p.Thr971Pro; replaces threonine 971 with proline.
Molecular consequence: missense variant.
Genome position (GRCh38, 1-based): chr2:108,763,450, A>C. VCF-style: chr2-108763450-A-C. GRCh37 (hg19) VCF-style: chr2-109379906-A-C.
Other names: short protein forms T971P.
Identifiers: ClinVar variation 1007086 (VCV001007086.10), dbSNP rs1676884999, ClinGen allele CA348060139.
Genomic context (GRCh38, chr2:108,763,450, plus strand): 5'-ACGGGAATTCTATCGCCCAGGGGTGATGATTACTTTAATTACAATGTTCAACAGACAAGC[A>C]CAAATCCACCTTTGCCAGAACCAGGATATTTCACAAAACCTCCGATTGCAGCTCATGCTT-3'
Protein context (NP_006258.3, residues 961-981): YFNYNVQQTS[Thr971Pro]NPPLPEPGYF

ClinVar aggregate classification (germline): Uncertain significance (1 of 4 stars; one submission).

Conditions:
Familial acute necrotizing encephalopathy (IIAE3). Also called: ENCEPHALOPATHY, ACUTE, INFECTION-INDUCED, SUSCEPTIBILITY TO, 3; Susceptibility to Acute Necrotizing Encephalopathy 1. Identifiers: Orphanet 88619, MedGen C2675556, MONDO:0011953, OMIM 608033.

Allele frequency attached by ClinVar (database versions not stated): gnomAD exomes below 0.00001.
gnomAD v4.1: 1 of 1,614,100 alleles (0.000062%); highest among the groups gnomAD compares: Non-Finnish European, 0.000085%; no homozygotes.

Submission:

Labcorp Genetics (formerly Invitae), Labcorp
Classification: Uncertain significance for Familial acute necrotizing encephalopathy. Last evaluated: 2025-05-05. Review status: criteria provided, single submitter. Criteria: Invitae Variant Classification Sherloc (09022015). Collection method: clinical testing. Allele origin: germline.
Comment: This sequence change replaces threonine, which is neutral and polar, with proline, which is neutral and non-polar, at codon 971 of the RANBP2 protein (p.Thr971Pro). This variant is not present in population databases (gnomAD no frequency). This variant has not been reported in the literature in individuals affected with RANBP2-related conditions. ClinVar contains an entry for this variant (Variation ID: 1007086). An algorithm developed to predict the effect of missense changes on protein structure and function (PolyPhen-2) suggests that this variant is likely to be tolerated. In summary, the available evidence is currently insufficient to determine the role of this variant in disease. Therefore, it has been classified as a Variant of Uncertain Significance.